The following is an entry in ClinVar:

NM_144701.3(IL23R):c.682del (p.Ala228fs)

Gene: IL23R (interleukin 23 receptor; plus strand). Cytogenetic location: 1p31.3.
Variant type: Deletion.
Coding change: c.682del on transcript NM_144701.3 (MANE Select); coding-DNA position 682, one base deleted (G; older notation c.682delG).
Protein change: p.Ala228fs; shifts the reading frame from alanine 228.
Molecular consequence: frameshift variant.
Genome position (GRCh38, 1-based): chr1:67,206,939, G deleted; the last of 3 consecutive G bases (chr1:67,206,937-67,206,939); deleting any one gives the same sequence. VCF-style (leftmost placement, unchanged base first): chr1-67206936-AG-A. GRCh37 (hg19) VCF-style: chr1-67672619-AG-A.
Other names: short protein forms A228fs.
Identifiers: ClinVar variation 2758945 (VCV002758945.3), dbSNP rs2525354856, ClinGen allele CA2697552465.

ClinVar aggregate classification (germline): Uncertain significance (1 of 4 stars; one submission).

Submission:

Labcorp Genetics (formerly Invitae), Labcorp
Classification: Uncertain significance. Last evaluated: 2023-09-08. Review status: criteria provided, single submitter. Criteria: Invitae Variant Classification Sherloc (09022015). Collection method: clinical testing. Allele origin: germline.
Comment: In summary, the available evidence is currently insufficient to determine the role of this variant in disease. Therefore, it has been classified as a Variant of Uncertain Significance. Experimental studies and prediction algorithms are not available or were not evaluated, and the functional significance of this variant is currently unknown. This sequence change creates a premature translational stop signal (p.Ala228Leufs*4) in the IL23R gene. It is expected to result in an absent or disrupted protein product. However, the current clinical and genetic evidence is not sufficient to establish whether loss-of-function variants in IL23R cause disease. This variant is not present in population databases (gnomAD no frequency). This variant has not been reported in the literature in individuals affected with IL23R-related conditions.